The following is an entry in ClinVar:

ClinVar aggregate classification (germline): Likely benign. Review status: criteria provided, multiple submitters, no conflicts (2 of 4 stars). 2 submissions from 2 submitters: Likely benign (2). Last evaluated 2023-11-10.

Conditions:
Norman-Roberts syndrome (LIS2). Also called: Lissencephaly 2 (Norman-Roberts type). Identifiers: Orphanet 89844, MedGen C0796089, MONDO:0009760, OMIM 257320.
Familial temporal lobe epilepsy 7. Identifiers: Orphanet 101046, MedGen C4225327, MONDO:0014639, OMIM 616436.

Allele frequency attached by ClinVar (database versions not stated): TOPMed 0.00002; gnomAD exomes 0.00006 and 0.00014; ExAC 0.00012; gnomAD 0.00014.
gnomAD v4.1: 117 of 1,606,602 alleles (0.0073%); highest among the groups gnomAD compares: Non-Finnish European, 0.0021%; no homozygotes.

Submissions (2):

Labcorp Genetics (formerly Invitae), Labcorp
Classification: Likely benign for Familial temporal lobe epilepsy 7; Norman-Roberts syndrome. Last evaluated: 2023-11-10. Review status: criteria provided, single submitter. Criteria: Invitae Variant Classification Sherloc (09022015). Collection method: clinical testing. Allele origin: germline.

CeGaT Center for Human Genetics Tuebingen
Classification: Likely benign. Last evaluated: 2023-11-01. Review status: criteria provided, single submitter. Criteria: CeGaT Center For Human Genetics Tuebingen Variant Classification Criteria Version 2. Collection method: clinical testing. Allele origin: germline. Affected: yes. Observed: 1 variant allele.
Comment: RELN: BP4

NM_005045.4(RELN):c.227-6T>C

Gene: RELN (reelin; minus strand). Cytogenetic location: 7q22.1.
Variant type: single nucleotide variant.
Coding change: c.227-6T>C on transcript NM_005045.4 (MANE Select); 6 bases into the intron before coding-DNA position 227, T replaced by C.
Molecular consequence: intron variant.
Genome position (GRCh38, 1-based): chr7:103,917,191, A>G on the plus strand (T>C on the coding strand, the complement: RELN is on the minus strand). VCF-style: chr7-103917191-A-G. GRCh37 (hg19) VCF-style: chr7-103557638-A-G.
Other names: c.227-6T>C (NM_173054.3).
Identifiers: ClinVar variation 1097729 (VCV001097729.31), dbSNP rs769480867, ClinGen allele CA4422649.
Genomic context (GRCh38, chr7:103,917,191, plus strand): 5'-GTGTATAGTCCTGTCACCAGCAAGCCGTCAAAAAAGGTGCTTGTTGAAATTGTCACTGAA[A>G]TGTAAGAAAGAAAAAAAAAACTCTCAATACAGTCAGAATAACACAATATATTTCTGAAGT-3'